The following is an entry in ClinVar:

NM_000071.3(CBS):c.*540G>A

Gene: CBS (cystathionine beta-synthase; minus strand). Cytogenetic location: 21q22.3.
Variant type: single nucleotide variant.
Coding change: c.*540G>A on transcript NM_000071.3 (MANE Select); 540 bases downstream of the stop codon, G replaced by A.
Molecular consequence: 3 prime UTR variant.
Genome position (GRCh38, 1-based): chr21:43,053,340, C>T on the plus strand (G>A on the coding strand, the complement: CBS is on the minus strand). VCF-style: chr21-43053340-C-T. GRCh37 (hg19) VCF-style: chr21-44473450-C-T.
Other names: c.*540G>A (NM_001178008.3, NM_001320298.2, NM_001321072.1); c.*326G>A (NM_001178009.3).
Identifiers: ClinVar variation 235768 (VCV000235768.19), dbSNP rs111386779, ClinGen allele CA10581423.

ClinVar aggregate classification (germline): Conflicting classifications of pathogenicity. Review status: criteria provided, conflicting classifications (1 of 4 stars). 5 submissions from 5 submitters: Uncertain significance (1); Benign (2); Likely benign (2). Last evaluated 2025-12-08.

Conditions:
HYPERHOMOCYSTEINEMIA, THROMBOTIC, CBS-RELATED. Identifiers: MedGen C3150344, OMIM 236200.
Classic homocystinuria. Also called: HOMOCYSTINURIA WITH OR WITHOUT RESPONSE TO PYRIDOXINE; Homocystinuria due to Cystathionine Beta-Synthase Deficiency; Homocystinuria due to CBS deficiency; Cystathionine beta-synthase deficiency; CBS deficiency. Identifiers: Orphanet 394, MedGen C0751202, MONDO:0009352, OMIM 236200.

Allele frequency attached by ClinVar (database versions not stated): 1000 Genomes Project 0.01597; gnomAD 0.01634.

Submissions (5):

Labcorp Genetics (formerly Invitae), Labcorp
Classification: Benign for HYPERHOMOCYSTEINEMIA, THROMBOTIC, CBS-RELATED. Last evaluated: 2025-12-08. Review status: criteria provided, single submitter. Criteria: Invitae Variant Classification Sherloc (09022015). Collection method: clinical testing. Allele origin: germline.

GeneDx
Classification: Likely benign. Last evaluated: 2021-05-14. Review status: criteria provided, single submitter. Criteria: GeneDx Variant Classification Process June 2021. Collection method: clinical testing. Allele origin: germline. Affected: yes.
Comment: This variant is associated with the following publications: (PMID: 21957013)

Illumina Laboratory Services, Illumina
Classification: Benign for Classic homocystinuria. Last evaluated: 2018-03-06. Review status: criteria provided, single submitter. Criteria: ICSL Variant Classification Criteria 13 December 2019. Collection method: clinical testing. Allele origin: germline.
Comment: This variant was observed in the ICSL laboratory as part of a predisposition screen in an ostensibly healthy population. It had not been previously curated by ICSL or reported in the Human Gene Mutation Database (HGMD: prior to June 1st, 2018), and was therefore a candidate for classification through an automated scoring system. Utilizing variant allele frequency, disease prevalence and penetrance estimates, and inheritance mode, an automated score was calculated to assess if this variant is too frequent to cause the disease. Based on the score and internal cut-off values, a variant classified as benign is not then subjected to further curation. The score for this variant resulted in a classification of benign for this disease.

Laboratory for Molecular Medicine, Mass General Brigham Personalized Medicine
Classification: Likely benign. Last evaluated: 2016-03-28. Review status: criteria provided, single submitter. Criteria: LMM Criteria. Collection method: clinical testing. Allele origin: germline.
Comment: Variant identified in a genome or exome case(s) and assessed due to predicted null impact of the variant or pathogenic assertions in the literature or databases. Disclaimer: This variant has not undergone full assessment. The following are preliminary notes: Frequency in 1000Genomes: 24/2178=1.1%

Center for Pediatric Genomic Medicine, Children's Mercy Hospital and Clinics
Classification: Uncertain significance. Last evaluated: 2015-02-06. Review status: criteria provided, single submitter. Criteria: ACMG Guidelines, 2015. Collection method: clinical testing. Allele origin: germline.
ClinVar note: Converted during submission from Uncertain Significance to Uncertain significance.